The following is an entry in ClinVar:

NM_020338.4(ZMIZ1):c.2935A>G (p.Ser979Gly)

Gene: ZMIZ1 (zinc finger MIZ-type containing 1; plus strand). Cytogenetic location: 10q22.3.
Variant type: single nucleotide variant.
Coding change: c.2935A>G on transcript NM_020338.4 (MANE Select); coding-DNA position 2935, A replaced by G.
Protein change: p.Ser979Gly; replaces serine 979 with glycine.
Molecular consequence: missense variant.
Genome position (GRCh38, 1-based): chr10:79,311,023, A>G. VCF-style: chr10-79311023-A-G. GRCh37 (hg19) VCF-style: chr10-81070780-A-G.
Other names: short protein forms S979G.
Identifiers: ClinVar variation 3674123 (VCV003674123.2).
Genomic context (GRCh38, chr10:79,311,023, plus strand): 5'-ATACAACAAGGTTTGCACGTACCACACCCCAGCAGCCAGTCAGGGCCTCCATTACATCAC[A>G]GTGGGGCTCCTCCTCCTCCTCCTTCCCAGCCTCCCCGGCAGCCGCCACAGGCCGCTCCCA-3'
Protein context (NP_065071.1, residues 969-989): SSQSGPPLHH[Ser979Gly]GAPPPPPSQP

ClinVar aggregate classification (germline): Uncertain significance (1 of 4 stars; one submission).

Submission:

Labcorp Genetics (formerly Invitae), Labcorp
Classification: Uncertain significance. Last evaluated: 2024-05-23. Review status: criteria provided, single submitter. Criteria: Invitae Variant Classification Sherloc (09022015). Collection method: clinical testing. Allele origin: germline.
Comment: This sequence change replaces serine, which is neutral and polar, with glycine, which is neutral and non-polar, at codon 979 of the ZMIZ1 protein (p.Ser979Gly). This variant is not present in population databases (gnomAD no frequency). This variant has not been reported in the literature in individuals affected with ZMIZ1-related conditions. Advanced modeling of protein sequence and biophysical properties (such as structural, functional, and spatial information, amino acid conservation, physicochemical variation, residue mobility, and thermodynamic stability) performed at Invitae indicates that this missense variant is not expected to disrupt ZMIZ1 protein function with a negative predictive value of 80%. In summary, the available evidence is currently insufficient to determine the role of this variant in disease. Therefore, it has been classified as a Variant of Uncertain Significance.